The following is an entry in ClinVar:

ClinVar aggregate classification (germline): Uncertain significance (1 of 4 stars; one submission).

Conditions:
Familial thoracic aortic aneurysm and aortic dissection (TAAD). Also called: Thoracic aortic aneurysms and dissections. Identifiers: Orphanet 91387, MedGen C4707243, MONDO:0019625.

gnomAD v4.1: 1 of 1,613,168 alleles (0.000062%); highest among the groups gnomAD compares: Non-Finnish European, 0.000085%; no homozygotes.

Submission:

Ambry Genetics
Classification: Uncertain significance for Familial thoracic aortic aneurysm and aortic dissection. Last evaluated: 2026-07-06. Review status: criteria provided, single submitter. Criteria: Ambry Variant Classification Scheme 2023. Collection method: clinical testing. Allele origin: germline.
Comment: The p.E905V variant (also known as c.2714A>T), located in coding exon 21 of the MYH11 gene, results from an A to T substitution at nucleotide position 2714. The glutamic acid at codon 905 is replaced by valine, an amino acid with dissimilar properties. This amino acid position is conserved. In addition, this alteration is predicted to be deleterious by in silico analysis. Based on the available evidence, the clinical significance of this variant remains unclear.

NM_002474.3(MYH11):c.2714A>T (p.Glu905Val)

Gene: MYH11 (myosin heavy chain 11; minus strand). Cytogenetic location: 16p13.11.
Variant type: single nucleotide variant.
Coding change: c.2714A>T on transcript NM_002474.3 (MANE Select); coding-DNA position 2714, A replaced by T.
Protein change: p.Glu905Val; replaces glutamic acid 905 with valine.
Molecular consequence: missense variant.
Genome position (GRCh38, 1-based): chr16:15,741,608, T>A on the plus strand (A>T on the coding strand, the complement: MYH11 is on the minus strand). VCF-style: chr16-15741608-T-A. GRCh37 (hg19) VCF-style: chr16-15835465-T-A.
Other names: c.2735A>T, p.Glu912Val (NM_001040113.2, NM_001040114.2); c.2714A>T, p.Glu905Val (NM_022844.3); short protein forms E912V, E905V.
Identifiers: ClinVar variation 5025077 (VCV005025077.1).
Genomic context (GRCh38, chr16:15,741,608, plus strand): 5'-TGCAGTATCTCCTCCAGCTCCTGCTTCTTGGCCGCCAGCCGCACCCGCATCTCCTCAGCC[T>A]CTGCATACAGCTCTGTCTCTGCCTGCAGCTGTTCCTGTAGCAGGTTCTTCTCCTCGGTCA-3'
Protein context (NP_002465.1, residues 895-915): QLQAETELYA[Glu905Val]AEEMRVRLAA